The following is an entry in ClinVar:

ClinVar aggregate classification (germline): Benign/Likely benign. Review status: criteria provided, multiple submitters, no conflicts (2 of 4 stars). 4 submissions from 4 submitters: Benign (1); Likely benign (2). 1 of the submissions does not count toward it. Last evaluated 2026-08-01.

Conditions:
COLGALT1-related disorder. Also called: COLGALT1-related condition.

Allele frequency attached by ClinVar (database versions not stated): 1000 Genomes Project 0.00180; TOPMed 0.00283; 1000 Genomes Project 30x 0.00297; ESP Exome Variant Server 0.00346; gnomAD 0.00375; ExAC 0.00388; gnomAD exomes 0.00502.
gnomAD v4.1: 7,905 of 1,614,170 alleles (0.49%); highest among the groups gnomAD compares: Middle Eastern, 0.59%; 22 homozygotes.

Submissions (4):

CeGaT Center for Human Genetics Tuebingen
Classification: Likely benign. Last evaluated: 2026-08-01. Review status: criteria provided, single submitter. Criteria: CeGaT Center For Human Genetics Tuebingen Variant Classification Criteria Version 2. Collection method: clinical testing. Allele origin: germline. Affected: yes. Observed: 6 variant alleles.
Comment: COLGALT1: BP4, BS2

Labcorp Genetics (formerly Invitae), Labcorp
Classification: Benign. Last evaluated: 2026-02-01. Review status: criteria provided, single submitter. Criteria: Invitae Variant Classification Sherloc (09022015). Collection method: clinical testing. Allele origin: germline.

Blueprint Genetics
Classification: Likely benign. Last evaluated: 2024-11-26. Review status: criteria provided, single submitter. Criteria: ACMG Guidelines, 2015. Collection method: clinical testing. Allele origin: germline.

PreventionGenetics, part of Exact Sciences
Classification: Benign for COLGALT1-related condition. Last evaluated: 2019-07-15. Review status: no assertion criteria provided. Collection method: clinical testing. Allele origin: germline. Not counted in ClinVar's aggregate classification.
Comment: This variant is classified as benign based on ACMG/AMP sequence variant interpretation guidelines (Richards et al. 2015 PMID: 25741868, with internal and published modifications).

NM_024656.4(COLGALT1):c.677G>A (p.Arg226Gln)

Gene: COLGALT1 (collagen beta(1-O)galactosyltransferase 1; plus strand). Cytogenetic location: 19p13.11.
Variant type: single nucleotide variant.
Coding change: c.677G>A on transcript NM_024656.4 (MANE Select); coding-DNA position 677, G replaced by A.
Protein change: p.Arg226Gln; replaces arginine 226 with glutamine.
Molecular consequence: missense variant.
Genome position (GRCh38, 1-based): chr19:17,568,561, G>A. VCF-style: chr19-17568561-G-A. GRCh37 (hg19) VCF-style: chr19-17679370-G-A.
Other names: c.677G>A (NM_024656.3); short protein forms R226Q.
Identifiers: ClinVar variation 2042888 (VCV002042888.31), dbSNP rs147899199, ClinGen allele CA9297005.